The following is an entry in ClinVar:

ClinVar aggregate classification (germline): Uncertain significance. Review status: criteria provided, multiple submitters, no conflicts (2 of 4 stars). 5 submissions from 5 submitters: Uncertain significance (5). Last evaluated 2024-04-07.

Conditions:
RYR1-related disorder. Also called: RYR1-related condition; RYR1-related disorders. Identifiers: MedGen CN239331.
Malignant hyperthermia, susceptibility to, 1 (MHS1). Also called: RYR1-Related Malignant Hyperthermia Susceptibility; Malignant hyperthermia suceptibility 1; Anesthesia related hyperthermia; Malignant hyperpyrexia; Fulminating hyperpyrexia; Pharmacogenic myopathy. Identifiers: Orphanet 423, MedGen C2930980, MONDO:0007783, OMIM 145600.

Allele frequency attached by ClinVar (database versions not stated): gnomAD exomes below 0.00001; ExAC 0.00001.
gnomAD v4.1: 4 of 1,614,190 alleles (0.00025%); highest among the groups gnomAD compares: South Asian, 0.0044%; no homozygotes.

Submissions (5):

Color Diagnostics, LLC DBA Color Health
Classification: Uncertain significance for Malignant hyperthermia, susceptibility to, 1. Last evaluated: 2024-04-07. Review status: criteria provided, single submitter. Criteria: ACMG Guidelines, 2015. Collection method: clinical testing. Allele origin: germline.
Comment: This missense variant replaces methionine with threonine at codon 4063 of the RYR1 protein. Computational prediction is inconclusive regarding the impact of this variant on protein structure and function (internally defined REVEL score threshold 0.5 < inconclusive < 0.7, PMID: 27666373). To our knowledge, functional studies have not been reported for this variant. This variant has not been reported in individuals affected with RYR1-related disorders in the literature. This variant has been identified in 1/251494 chromosomes in the general population by the Genome Aggregation Database (gnomAD). The available evidence is insufficient to determine the role of this variant in disease conclusively. Therefore, this variant is classified as a Variant of Uncertain Significance.

All of Us Research Program, National Institutes of Health
Classification: Uncertain significance for Malignant hyperthermia, susceptibility to, 1. Last evaluated: 2024-03-06. Review status: criteria provided, single submitter. Criteria: ACMG Guidelines, 2015. Collection method: clinical testing. Allele origin: germline. Inheritance: Autosomal dominant inheritance. Observed: 1 variant allele, 1 heterozygote.
Comment: This study involves interpretation of variants in research participants for the purpose of population health screening. Participant phenotype was not available at the time of variant classification. Additional details can be found in publication PMID: 35346344, PMCID: PMC8962531

Labcorp Genetics (formerly Invitae), Labcorp
Classification: Uncertain significance for RYR1-related disorder. Last evaluated: 2024-01-06. Review status: criteria provided, single submitter. Criteria: Invitae Variant Classification Sherloc (09022015). Collection method: clinical testing. Allele origin: germline.
Comment: This sequence change replaces methionine, which is neutral and non-polar, with threonine, which is neutral and polar, at codon 4063 of the RYR1 protein (p.Met4063Thr). This variant is present in population databases (rs777285788, gnomAD 0.003%). This variant has not been reported in the literature in individuals affected with RYR1-related conditions. ClinVar contains an entry for this variant (Variation ID: 448179). Advanced modeling of protein sequence and biophysical properties (such as structural, functional, and spatial information, amino acid conservation, physicochemical variation, residue mobility, and thermodynamic stability) has been performed at Invitae for this missense variant, however the output from this modeling did not meet the statistical confidence thresholds required to predict the impact of this variant on RYR1 protein function. In summary, the available evidence is currently insufficient to determine the role of this variant in disease. Therefore, it has been classified as a Variant of Uncertain Significance.

GeneDx
Classification: Uncertain significance. Last evaluated: 2021-04-14. Review status: criteria provided, single submitter. Criteria: GeneDx Variant Classification Process June 2021. Collection method: clinical testing. Allele origin: germline. Affected: yes.
Comment: Not observed at a significant frequency in large population cohorts (Lek et al., 2016); In silico analysis supports that this missense variant has a deleterious effect on protein structure/function; Has not been previously published as pathogenic or benign to our knowledge

Athena Diagnostics
Classification: Uncertain significance. Last evaluated: 2017-05-31. Review status: criteria provided, single submitter. Criteria: Athena Diagnostics Criteria. Collection method: clinical testing. Allele origin: germline.

NM_000540.3(RYR1):c.12188T>C (p.Met4063Thr)

Gene: RYR1 (ryanodine receptor 1; plus strand). Cytogenetic location: 19q13.2.
Variant type: single nucleotide variant.
Coding change: c.12188T>C on transcript NM_000540.3 (MANE Select); coding-DNA position 12188, T replaced by C.
Protein change: p.Met4063Thr; replaces methionine 4063 with threonine.
Molecular consequence: missense variant.
Genome position (GRCh38, 1-based): chr19:38,548,326, T>C. VCF-style: chr19-38548326-T-C. GRCh37 (hg19) VCF-style: chr19-39038966-T-C.
Other names: c.12173T>C, p.Met4058Thr (NM_001042723.2); short protein forms M4063T, M4058T.
Identifiers: ClinVar variation 448179 (VCV000448179.10), dbSNP rs777285788, ClinGen allele CA058433.